The following is an entry in ClinVar:

NM_003072.5(SMARCA4):c.4719G>C (p.Glu1573Asp)

Gene: SMARCA4 (SWI/SNF related BAF chromatin remodeling complex subunit ATPase 4; plus strand). Cytogenetic location: 19p13.2.
Variant type: single nucleotide variant.
Coding change: c.4719G>C on transcript NM_003072.5 (MANE Select); coding-DNA position 4719, G replaced by C.
Protein change: p.Glu1573Asp; replaces glutamic acid 1573 with aspartic acid.
Molecular consequence: missense variant. On other transcripts: non-coding transcript variant (1).
Genome position (GRCh38, 1-based): chr19:11,059,836, G>C. VCF-style: chr19-11059836-G-C. GRCh37 (hg19) VCF-style: chr19-11170512-G-C.
Other names: c.4719G>C, p.Glu1573Asp (NM_001128844.3); c.4629G>C, p.Glu1543Asp (NM_001128845.2); c.4626G>C, p.Glu1542Asp (NM_001128846.2); c.4620G>C, p.Glu1540Asp (NM_001128847.4, NM_001374457.1); c.4617G>C, p.Glu1539Asp (NM_001128848.2); c.4815G>C, p.Glu1605Asp (NM_001128849.3); short protein forms E1540D, E1573D, E1539D, E1542D, E1543D, E1605D.
Identifiers: ClinVar variation 825201 (VCV000825201.16), dbSNP rs1306229985, ClinGen allele CA404079558.

ClinVar aggregate classification (germline): Uncertain significance. Review status: criteria provided, multiple submitters, no conflicts (2 of 4 stars). 3 submissions from 3 submitters: Uncertain significance (3). Last evaluated 2024-04-02.

Conditions:
Hereditary cancer-predisposing syndrome. Also called: Neoplastic Syndromes, Hereditary; Tumor predisposition; Hereditary neoplastic syndrome; Hereditary Cancer Syndrome. Identifiers: Orphanet 140162, MedGen C0027672, MeSH D009386, MONDO:0015356.
Intellectual disability, autosomal dominant 16 (CSS4). Also called: COFFIN-SIRIS SYNDROME 4. Identifiers: Orphanet 1465, MedGen C3553249, MONDO:0013821, OMIM 614609.
Rhabdoid tumor predisposition syndrome 2 (RTPS2). Identifiers: Orphanet 231108, Orphanet 69077, MedGen C2750074, MONDO:0013224, OMIM 613325.

Allele frequency attached by ClinVar (database versions not stated): gnomAD exomes below 0.00001.
gnomAD v4.1: 1 of 1,613,892 alleles (0.000062%); highest among the groups gnomAD compares: Non-Finnish European, 0.000085%; no homozygotes.

Submissions (3):

Labcorp Genetics (formerly Invitae), Labcorp
Classification: Uncertain significance for Rhabdoid tumor predisposition syndrome 2. Last evaluated: 2024-04-02. Review status: criteria provided, single submitter. Criteria: Invitae Variant Classification Sherloc (09022015). Collection method: clinical testing. Allele origin: germline.
Comment: This sequence change replaces glutamic acid, which is acidic and polar, with aspartic acid, which is acidic and polar, at codon 1605 of the SMARCA4 protein (p.Glu1605Asp). This variant is present in population databases (no rsID available, gnomAD 0.0009%). This variant has not been reported in the literature in individuals affected with SMARCA4-related conditions. ClinVar contains an entry for this variant (Variation ID: 825201). Advanced modeling of protein sequence and biophysical properties (such as structural, functional, and spatial information, amino acid conservation, physicochemical variation, residue mobility, and thermodynamic stability) performed at Invitae indicates that this missense variant is not expected to disrupt SMARCA4 protein function with a negative predictive value of 95%. In summary, the available evidence is currently insufficient to determine the role of this variant in disease. Therefore, it has been classified as a Variant of Uncertain Significance.

Ambry Genetics
Classification: Uncertain significance for Hereditary cancer-predisposing syndrome. Last evaluated: 2023-11-13. Review status: criteria provided, single submitter. Criteria: Ambry Variant Classification Scheme 2023. Collection method: clinical testing. Allele origin: germline.
Comment: The p.E1605D variant (also known as c.4815G>C), located in coding exon 33 of the SMARCA4 gene, results from a G to C substitution at nucleotide position 4815. The glutamic acid at codon 1605 is replaced by aspartic acid, an amino acid with highly similar properties. This amino acid position is highly conserved in available vertebrate species. In addition, this alteration is predicted to be tolerated by in silico analysis. Missense and in-frame variants in SMARCA4 are known to cause neurodevelopmental disorders; however, such associations with rhabdoid tumor predisposition syndrome including small cell carcinoma of the ovary-hypercalcemic type (SCCOHT) are exceedingly rare (Kosho T et al. Am J Med Genet C Semin Med Genet. 2014 Sep;166C(3):262-75; Jelinic P et al. Nat Genet. 2014 May;46(5):424-6). Based on the supporting evidence, the association of this alteration with Coffin-Siris syndrome is unknown; however, the association of this alteration with rhabdoid tumor predisposition syndrome is unlikely.

Genome-Nilou Lab
Classification: Uncertain significance for Intellectual disability, autosomal dominant 16. Last evaluated: 2021-07-15. Review status: criteria provided, single submitter. Criteria: ACMG Guidelines, 2015. Collection method: clinical testing. Allele origin: germline. Affected: no.